The following is an entry in ClinVar:

ClinVar aggregate classification (germline): Pathogenic. Review status: criteria provided, single submitter (1 of 4 stars). 2 submissions from 2 submitters: Pathogenic (1). 1 of the submissions does not count toward it. Last evaluated 2021-10-18.

Conditions:
Hereditary cancer-predisposing syndrome. Also called: Hereditary Cancer Syndrome; Hereditary neoplastic syndrome; Tumor predisposition; Neoplastic Syndromes, Hereditary. Identifiers: Orphanet 140162, MedGen C0027672, MeSH D009386, MONDO:0015356.

Submissions (2):

Ambry Genetics
Classification: Pathogenic for Hereditary cancer-predisposing syndrome. Last evaluated: 2021-10-18. Review status: criteria provided, single submitter. Criteria: Ambry Variant Classification Scheme 2023. Collection method: clinical testing. Allele origin: germline.
Comment: The c.3497delG pathogenic mutation, located in coding exon 13 of the PALB2 gene, results from a deletion of one nucleotide at nucleotide position 3497, causing a translational frameshift with a predicted alternate stop codon (p.G1166Vfs*25). This alteration occurs at the 3' terminus of thePALB2 gene, is not expected to trigger nonsense-mediated mRNA decay, and only impacts the last 17 amino acids of the protein. However, premature stop codons are typically deleterious in nature and the impacted region is critical for protein function (Ambry internal data). This alteration has been reported in an individual affected with breast cancer with a family history of breast and pancreatic cancers (Peterlongo P et al. Breast Cancer Res Treat, 2011 Apr;126:825-8). This alteration was found to be functionally abnormal in a homology-directed DNA repair (HDR) assay (Wiltshire T et al. Genet Med, 2020 03;22:622-632). This variant is considered to be rare based on population cohorts in the Genome Aggregation Database (gnomAD). Based on the supporting evidence, this alteration is interpreted as a disease-causing mutation.

Leiden Open Variation Database
Classification: Pathogenic. Last evaluated: 2019-05-13. Review status: no assertion criteria provided. Collection method: curation. Allele origin: germline. Affected: yes. Not counted in ClinVar's aggregate classification.
Comment: Curators: Marc Tischkowitz, Arleen D. Auerbach. Submitter to LOVD: Marc Tischkowitz.

Literature cited by the submitters: PubMed 21184274 (cited by Ambry Genetics and Leiden Open Variation Database); PubMed 22692731 (cited by Ambry Genetics); PubMed 24556926 (cited by Ambry Genetics and Leiden Open Variation Database); PubMed 31636395 (cited by Ambry Genetics).

NM_024675.4(PALB2):c.3497del (p.Gly1166fs)

Gene: PALB2 (partner and localizer of BRCA2; minus strand). Cytogenetic location: 16p12.2.
Variant type: Deletion.
Coding change: c.3497del on transcript NM_024675.4 (MANE Select); coding-DNA position 3497, one base deleted (G; older notation c.3497delG).
Protein change: p.Gly1166fs; shifts the reading frame from glycine 1166.
Molecular consequence: frameshift variant.
Genome position (GRCh38, 1-based): chr16:23,603,523, C deleted on the plus strand (G on the coding strand, the reverse complement: PALB2 is on the minus strand); the first of 3 consecutive C bases (chr16:23,603,523-23,603,525); deleting any one gives the same sequence. VCF-style (leftmost placement, unchanged base first): chr16-23603522-AC-A. GRCh37 (hg19) VCF-style: chr16-23614843-AC-A.
Other names: NM_024675.3:c.3497del; short protein forms G1166fs.
Identifiers: ClinVar variation 126746 (VCV000126746.4), dbSNP rs180177138, ClinGen allele CA151249.